The following is an entry in ClinVar:

NM_025219.3(DNAJC5):c.19C>T (p.Arg7Cys)

Gene: DNAJC5 (DnaJ heat shock protein family (Hsp40) member C5; plus strand). Cytogenetic location: 20q13.33.
Variant type: single nucleotide variant.
Coding change: c.19C>T on transcript NM_025219.3 (MANE Select); coding-DNA position 19, C replaced by T.
Protein change: p.Arg7Cys; replaces arginine 7 with cysteine.
Molecular consequence: missense variant.
Genome position (GRCh38, 1-based): chr20:63,928,364, C>T. VCF-style: chr20-63928364-C-T. GRCh37 (hg19) VCF-style: chr20-62559717-C-T.
Other names: short protein forms R7C.
Identifiers: ClinVar variation 3686731 (VCV003686731.2).

ClinVar aggregate classification (germline): Uncertain significance (1 of 4 stars; one submission).

Conditions:
Neuronal ceroid lipofuscinosis. Also called: Neuronal Ceroid Lipofuscinoses. Identifiers: Orphanet 216, Orphanet 79263, MedGen C0027877, MONDO:0016295. Disease mechanism: loss of function.

Submission:

Labcorp Genetics (formerly Invitae), Labcorp
Classification: Uncertain significance for Neuronal ceroid lipofuscinosis. Last evaluated: 2024-05-13. Review status: criteria provided, single submitter. Criteria: Invitae Variant Classification Sherloc (09022015). Collection method: clinical testing. Allele origin: germline.
Comment: This sequence change replaces arginine, which is basic and polar, with cysteine, which is neutral and slightly polar, at codon 7 of the DNAJC5 protein (p.Arg7Cys). This variant is not present in population databases (gnomAD no frequency). This variant has not been reported in the literature in individuals affected with DNAJC5-related conditions. An algorithm developed to predict the effect of missense changes on protein structure and function (PolyPhen-2) suggests that this variant is likely to be tolerated. In summary, the available evidence is currently insufficient to determine the role of this variant in disease. Therefore, it has been classified as a Variant of Uncertain Significance.